The following is an entry in ClinVar:

ClinVar aggregate classification (germline): Uncertain significance. Review status: criteria provided, multiple submitters, no conflicts (2 of 4 stars). 7 submissions from 7 submitters: Uncertain significance (5). 2 of the submissions do not count toward it. Last evaluated 2025-11-04.

Conditions:
Deficiency of hydroxymethylglutaryl-CoA lyase (HMGCLD). Also called: Defect in leucine metabolism; 3-hydroxy-3-methylglutaric aciduria; HMGCL DEFICIENCY; HYDROXYMETHYLGLUTARIC ACIDURIA; HMG-CoA LYASE DEFICIENCY. Identifiers: Orphanet 20, MedGen C1533587, MONDO:0009520, OMIM 246450.

Allele frequency attached by ClinVar (database versions not stated): gnomAD exomes below 0.00001 and 0.00001; gnomAD 0.00002; TOPMed 0.00002.
gnomAD v4.1: 25 of 1,613,750 alleles (0.0015%); highest among the groups gnomAD compares: Non-Finnish European, 0.002%; no homozygotes.

Submissions (7):

Labcorp Genetics (formerly Invitae), Labcorp
Classification: Uncertain significance for Deficiency of hydroxymethylglutaryl-CoA lyase. Last evaluated: 2025-11-04. Review status: criteria provided, single submitter. Criteria: Invitae Variant Classification Sherloc (09022015). Collection method: clinical testing. Allele origin: germline.
Comment: This sequence change replaces valine, which is neutral and non-polar, with leucine, which is neutral and non-polar, at codon 70 of the HMGCL protein (p.Val70Leu). This variant is present in population databases (rs121964996, gnomAD 0.0009%). This variant has not been reported in the literature in individuals affected with HMGCL-related conditions. ClinVar contains an entry for this variant (Variation ID: 11955). Invitae Evidence Modeling of protein sequence and biophysical properties (such as structural, functional, and spatial information, amino acid conservation, physicochemical variation, residue mobility, and thermodynamic stability) has been performed for this missense variant. However, the output from this modeling did not meet the statistical confidence thresholds required to predict the impact of this variant on HMGCL protein function. In summary, the available evidence is currently insufficient to determine the role of this variant in disease. Therefore, it has been classified as a Variant of Uncertain Significance.

Blueprint Genetics
Classification: Uncertain significance. Last evaluated: 2024-10-17. Review status: criteria provided, single submitter. Criteria: ACMG Guidelines, 2015. Collection method: clinical testing. Allele origin: germline.

GeneDx
Classification: Uncertain significance. Last evaluated: 2024-02-08. Review status: criteria provided, single submitter. Criteria: GeneDx Variant Classification Process June 2021. Collection method: clinical testing. Allele origin: germline. Affected: yes.
Comment: Not observed at significant frequency in large population cohorts (gnomAD); In silico analysis supports that this missense variant does not alter protein structure/function; This variant is associated with the following publications: (PMID: 17692550)

Genome-Nilou Lab
Classification: Uncertain significance for Deficiency of hydroxymethylglutaryl-CoA lyase. Last evaluated: 2023-04-11. Review status: criteria provided, single submitter. Criteria: ACMG Guidelines, 2015. Collection method: clinical testing. Allele origin: germline. Affected: no.

Fulgent Genetics
Classification: Uncertain significance for Deficiency of hydroxymethylglutaryl-CoA lyase. Last evaluated: 2022-03-02. Review status: criteria provided, single submitter. Criteria: ACMG Guidelines, 2015. Collection method: clinical testing. Allele origin: unknown.

Counsyl
Classification: Uncertain significance for Deficiency of hydroxymethylglutaryl-CoA lyase. Last evaluated: 2017-05-23. Review status: no assertion criteria provided. Collection method: clinical testing. Allele origin: unknown. Not counted in ClinVar's aggregate classification.

OMIM
Classification: Pathogenic for HMG-CoA LYASE DEFICIENCY. Last evaluated: 2015-05-08. Review status: no assertion criteria provided. Collection method: literature only. Allele origin: germline. Not counted in ClinVar's aggregate classification.

Literature cited by the submitters: Mitchell, G. A., Robert, M.-F., Fontaine, G., Wang, S., Lambert, M., Cole, D., Lee, C., Gibson, M., Miziorko, H. HMG CoA lyase (HL) deficiency: detection of a causal mutation in an affected French-Canadian sibship. (Abstract) Am. J. Hum. Genet. 51 (suppl.): A173, 1992. (cited by OMIM).

NM_000191.3(HMGCL):c.208G>C (p.Val70Leu)

Gene: HMGCL (3-hydroxy-3-methylglutaryl-CoA lyase; minus strand). Cytogenetic location: 1p36.11.
Variant type: single nucleotide variant.
Coding change: c.208G>C on transcript NM_000191.3 (MANE Select); coding-DNA position 208, G replaced by C.
Protein change: p.Val70Leu; replaces valine 70 with leucine.
Molecular consequence: missense variant.
Genome position (GRCh38, 1-based): chr1:23,817,520, C>G on the plus strand (G>C on the coding strand, the complement: HMGCL is on the minus strand). VCF-style: chr1-23817520-C-G. GRCh37 (hg19) VCF-style: chr1-24144010-C-G.
Other names: c.208G>C, p.Val70Leu (NM_001166059.2); short protein forms V70L.
Identifiers: ClinVar variation 11955 (VCV000011955.11), dbSNP rs121964996, ClinGen allele CA256130.